The following is an entry in ClinVar:

ClinVar aggregate classification (germline): Uncertain significance. Review status: criteria provided, multiple submitters, no conflicts (2 of 4 stars). 2 submissions from 2 submitters: Uncertain significance (2). Last evaluated 2025-01-02.

Conditions:
Cardiovascular phenotype. Identifiers: MedGen CN230736.

Allele frequency attached by ClinVar (database versions not stated): gnomAD exomes 0.00001.

Submissions (2):

Ambry Genetics
Classification: Uncertain significance for Cardiovascular phenotype. Last evaluated: 2025-01-02. Review status: criteria provided, single submitter. Criteria: Ambry Variant Classification Scheme 2023. Collection method: clinical testing. Allele origin: germline.
Comment: The p.R389L variant (also known as c.1166G>T), located in coding exon 5 of the ALPK3 gene, results from a G to T substitution at nucleotide position 1166. The arginine at codon 389 is replaced by leucine, an amino acid with dissimilar properties. This variant has been reported in a cancer therapy-related cardiac dysfunction cohort (Boen HM et al. Cardiooncology, 2024 Apr;10:26). This amino acid position is not well conserved in available vertebrate species. In addition, this alteration is predicted to be tolerated by in silico analysis. Based on the available evidence, the clinical significance of this variant remains unclear.

Labcorp Genetics (formerly Invitae), Labcorp
Classification: Uncertain significance. Last evaluated: 2024-01-04. Review status: criteria provided, single submitter. Criteria: Invitae Variant Classification Sherloc (09022015). Collection method: clinical testing. Allele origin: germline.
Comment: This sequence change replaces arginine, which is basic and polar, with leucine, which is neutral and non-polar, at codon 389 of the ALPK3 protein (p.Arg389Leu). This variant is present in population databases (no rsID available, gnomAD 0.002%). This variant has not been reported in the literature in individuals affected with ALPK3-related conditions. ClinVar contains an entry for this variant (Variation ID: 1347229). Algorithms developed to predict the effect of missense changes on protein structure and function output the following: SIFT: "Not Available"; PolyPhen-2: "Benign"; Align-GVGD: "Not Available". The leucine amino acid residue is found in multiple mammalian species, which suggests that this missense change does not adversely affect protein function. In summary, the available evidence is currently insufficient to determine the role of this variant in disease. Therefore, it has been classified as a Variant of Uncertain Significance.

Literature cited by the submitters: PubMed 38689299 (cited by Ambry Genetics).

NM_020778.5(ALPK3):c.560G>T (p.Arg187Leu)

Gene: ALPK3 (alpha kinase 3; plus strand). Cytogenetic location: 15q25.3.
Variant type: single nucleotide variant.
Coding change: c.560G>T on transcript NM_020778.5 (MANE Select); coding-DNA position 560, G replaced by T.
Protein change: p.Arg187Leu; replaces arginine 187 with leucine.
Molecular consequence: missense variant.
Genome position (GRCh38, 1-based): chr15:84,839,839, G>T. VCF-style: chr15-84839839-G-T. GRCh37 (hg19) VCF-style: chr15-85383070-G-T.
Other names: short protein forms R187L.
Identifiers: ClinVar variation 1347229 (VCV001347229.11), dbSNP rs1314564648, ClinGen allele CA393372899.
Genomic context (GRCh38, chr15:84,839,839, plus strand): 5'-TGGAGGTGGGCACCATGACTGAGTACAAGATCCACCAGCGCTGGTTCGCCAAGTTGAAGC[G>T]CAAGGCTGCGGCAAAGCTGCGCGAGATCGAGCAGAGCTGGAAGCACGAGAAGGCGGTGCC-3'
Protein context (NP_065829.4, residues 177-197): IHQRWFAKLK[Arg187Leu]KAAAKLREIE